The following is an entry in ClinVar:

ClinVar aggregate classification (germline): Conflicting classifications of pathogenicity. Review status: criteria provided, conflicting classifications (1 of 4 stars). 2 submissions from 2 submitters: Uncertain significance (1); Likely benign (1). Last evaluated 2021-11-06.

Conditions:
Catecholaminergic polymorphic ventricular tachycardia 1. Also called: VENTRICULAR TACHYCARDIA, CATECHOLAMINERGIC POLYMORPHIC, 1, WITH OR WITHOUT ATRIAL DYSFUNCTION AND/OR DILATED CARDIOMYOPATHY; RYR2-Related Catecholaminergic Polymorphic Ventricular Tachycardia; VENTRICULAR TACHYCARDIA, STRESS-INDUCED POLYMORPHIC 1. Identifiers: Orphanet 3286, MedGen C1631597, MONDO:0011484, OMIM 604772.
Cardiomyopathy (CMYO). Also called: Cardiomyopathies. Identifiers: Orphanet 167848, MedGen C0878544, MONDO:0004994, HP:0001638. Inheritance: Various modes of inheritance.

Submissions (2):

Labcorp Genetics (formerly Invitae), Labcorp
Classification: Likely benign for Catecholaminergic polymorphic ventricular tachycardia 1. Last evaluated: 2021-11-06. Review status: criteria provided, single submitter. Criteria: Invitae Variant Classification Sherloc (09022015). Collection method: clinical testing. Allele origin: germline.

Color Diagnostics, LLC DBA Color Health
Classification: Uncertain significance for Cardiomyopathy. Last evaluated: 2021-02-03. Review status: criteria provided, single submitter. Criteria: ACMG Guidelines, 2015. Collection method: clinical testing. Allele origin: germline.
Comment: This variant causes a duplication of five nucleotides in intron 89 of the RYR2 gene. To our knowledge, functional studies have not been reported for this variant. This variant has not been reported in individuals affected with cardiovascular disorders in the literature. This variant has been identified in 1/197950 chromosomes in the general population by the Genome Aggregation Database (gnomAD). The available evidence is insufficient to determine the role of this variant in disease conclusively. Therefore, this variant is classified as a Variant of Uncertain Significance.

NM_001035.3(RYR2):c.11962+9_11962+13dup

Gene: RYR2 (ryanodine receptor 2; plus strand). Cytogenetic location: 1q43.
Variant type: Duplication.
Coding change: c.11962+9_11962+13dup on transcript NM_001035.3 (MANE Select); bases 9 to 13 of the intron after coding-DNA position 11962, 5 bases duplicated (GATTT; older notation c.11962+9_11962+13dupGATTT).
Molecular consequence: intron variant.
Genome position (GRCh38, 1-based): chr1:237,781,655-237,781,659, GATTT duplicated; duplicating any 5 consecutive bases within chr1:237,781,652-237,781,659 gives the same sequence; the c. name uses the placement nearest the transcript's 3' end. VCF-style (leftmost placement, unchanged base first): chr1-237781651-T-TTTTGA. GRCh37 (hg19) VCF-style: chr1-237944951-T-TTTTGA.
Identifiers: ClinVar variation 919084 (VCV000919084.12), dbSNP rs764190942, ClinGen allele CA085096.
Genomic context (GRCh38, chr1:237,781,651, plus strand): 5'-AGAATTAATGGATCTGCAGAAGGATATGGTGGTCATGTTGCTGTCCATGTTAGAAGGTAG[T>TTTTGA]TTTGATTTATACTTTTAAATTCTCTTTATTATCTTATTTAAAGGATCAGCATGGGCTTAT-3'